The following is an entry in ClinVar:

NM_006755.2(TALDO1):c.835+1G>A

Gene: TALDO1 (transaldolase 1; plus strand). Cytogenetic location: 11p15.5.
Variant type: single nucleotide variant.
Coding change: c.835+1G>A on transcript NM_006755.2 (MANE Select); the canonical splice donor site of the intron after coding-DNA position 835, G replaced by A.
Molecular consequence: splice donor variant.
Genome position (GRCh38, 1-based): chr11:763,945, G>A. VCF-style: chr11-763945-G-A. GRCh37 (hg19) VCF-style: chr11-763945-G-A.
Identifiers: ClinVar variation 3702304 (VCV003702304.2).

ClinVar aggregate classification (germline): Likely pathogenic (1 of 4 stars; one submission).

Submission:

Labcorp Genetics (formerly Invitae), Labcorp
Classification: Likely pathogenic. Last evaluated: 2024-01-26. Review status: criteria provided, single submitter. Criteria: Invitae Variant Classification Sherloc (09022015). Collection method: clinical testing. Allele origin: germline.
Comment: This sequence change affects a donor splice site in intron 6 of the TALDO1 gene. It is expected to disrupt RNA splicing. Variants that disrupt the donor or acceptor splice site typically lead to a loss of protein function (PMID: 16199547), and loss-of-function variants in TALDO1 are known to be pathogenic (PMID: 23315216, 26238251). This variant is present in population databases (rs765312313, gnomAD 0.0009%). This variant has not been reported in the literature in individuals affected with TALDO1-related conditions. Algorithms developed to predict the effect of sequence changes on RNA splicing suggest that this variant may disrupt the consensus splice site. In summary, the currently available evidence indicates that the variant is pathogenic, but additional data are needed to prove that conclusively. Therefore, this variant has been classified as Likely Pathogenic.

Literature cited by the submitters: PubMed 16199547; PubMed 23315216; PubMed 26238251.